The following is an entry in ClinVar:

NM_002067.5(GNA11):c.766C>T (p.Arg256Trp)

Gene: GNA11 (G protein subunit alpha 11; plus strand). Cytogenetic location: 19p13.3.
Variant type: single nucleotide variant.
Coding change: c.766C>T on transcript NM_002067.5 (MANE Select); coding-DNA position 766, C replaced by T.
Protein change: p.Arg256Trp; replaces arginine 256 with tryptophan.
Molecular consequence: missense variant.
Genome position (GRCh38, 1-based): chr19:3,119,236, C>T. VCF-style: chr19-3119236-C-T. GRCh37 (hg19) VCF-style: chr19-3119234-C-T.
Other names: short protein forms R256W.
Identifiers: ClinVar variation 2182683 (VCV002182683.4), dbSNP rs775040372, ClinGen allele CA9075013.

ClinVar aggregate classification (germline): Uncertain significance (1 of 4 stars; one submission).

Allele frequency attached by ClinVar (database versions not stated): gnomAD exomes below 0.00001; TOPMed below 0.00001; gnomAD 0.00001; ExAC 0.00002.
gnomAD v4.1: 7 of 1,613,848 alleles (0.00043%); highest among the groups gnomAD compares: South Asian, 0.0044%; no homozygotes.

Submission:

Labcorp Genetics (formerly Invitae), Labcorp
Classification: Uncertain significance. Last evaluated: 2022-06-03. Review status: criteria provided, single submitter. Criteria: Invitae Variant Classification Sherloc (09022015). Collection method: clinical testing. Allele origin: germline.
Comment: In summary, the available evidence is currently insufficient to determine the role of this variant in disease. Therefore, it has been classified as a Variant of Uncertain Significance. Algorithms developed to predict the effect of missense changes on protein structure and function (SIFT, PolyPhen-2, Align-GVGD) all suggest that this variant is likely to be tolerated. This variant has not been reported in the literature in individuals affected with GNA11-related conditions. This variant is present in population databases (rs775040372, gnomAD 0.006%). This sequence change replaces arginine, which is basic and polar, with tryptophan, which is neutral and slightly polar, at codon 256 of the GNA11 protein (p.Arg256Trp).